The following is an entry in ClinVar:

ClinVar aggregate classification (germline): Benign/Likely benign. Review status: criteria provided, multiple submitters, no conflicts (2 of 4 stars). 5 submissions from 5 submitters: Benign (3); Likely benign (2). Last evaluated 2026-02-03.

Allele frequency attached by ClinVar (database versions not stated): gnomAD 0.01310 and 0.01309; ExAC 0.01592; TOPMed 0.01316; gnomAD exomes 0.01807 and 0.01488; 1000 Genomes Project 30x 0.00968; 1000 Genomes Project 0.00978; ESP Exome Variant Server 0.01294.
gnomAD v4.1: 28,333 of 1,611,654 alleles (1.8%); highest among the groups gnomAD compares: Middle Eastern, 2.9%; 320 homozygotes.

Submissions (5):

Labcorp Genetics (formerly Invitae), Labcorp
Classification: Benign. Last evaluated: 2026-02-03. Review status: criteria provided, single submitter. Criteria: Invitae Variant Classification Sherloc (09022015). Collection method: clinical testing. Allele origin: germline.

Mayo Clinic Laboratories, Mayo Clinic
Classification: Benign. Last evaluated: 2024-06-04. Review status: criteria provided, single submitter. Criteria: ACMG Guidelines, 2015. Collection method: clinical testing. Allele origin: germline. Observed: 9 variant alleles.
Comment: BS1, BS2, BP4, BP7

ARUP Laboratories, Molecular Genetics and Genomics, ARUP Laboratories
Classification: Benign. Last evaluated: 2023-09-11. Review status: criteria provided, single submitter. Criteria: ARUP Molecular Germline Variant Investigation Process 2024. Collection method: clinical testing. Allele origin: germline.

GeneDx
Classification: Likely benign. Last evaluated: 2021-05-05. Review status: criteria provided, single submitter. Criteria: GeneDx Variant Classification Process June 2021. Collection method: clinical testing. Allele origin: germline. Affected: yes.

Breakthrough Genomics
Classification: Likely benign. Review status: criteria provided, single submitter. Criteria: ACMG Guidelines, 2015. Collection method: not provided. Allele origin: germline. Inheritance: Autosomal recessive inheritance. Affected: yes.

NM_032228.6(FAR1):c.12C>T (p.Ile4=)

Gene: FAR1 (fatty acyl-CoA reductase 1; plus strand). Cytogenetic location: 11p15.3.
Variant type: single nucleotide variant.
Coding change: c.12C>T on transcript NM_032228.6 (MANE Select); coding-DNA position 12, C replaced by T.
Protein change: p.Ile4=; no amino-acid change (isoleucine 4 retained).
Molecular consequence: synonymous variant.
Genome position (GRCh38, 1-based): chr11:13,694,777, C>T. VCF-style: chr11-13694777-C-T. GRCh37 (hg19) VCF-style: chr11-13716324-C-T.
Other names: p.Ile4=.
Identifiers: ClinVar variation 1320619 (VCV001320619.11), dbSNP rs117395380, ClinGen allele CA5893234.